The following is an entry in ClinVar:

NM_001077350.3(NPRL3):c.1351+7C>T

Genes: HBA-LCR (alpha-globin locus control region; plus strand), NPRL3 (NPR3 like, GATOR1 complex subunit; minus strand). Cytogenetic location: 16p13.3.
Variant type: single nucleotide variant.
Coding change: c.1351+7C>T on transcript NM_001077350.3 (MANE Select); 7 bases into the intron after coding-DNA position 1351, C replaced by T.
Molecular consequence: intron variant.
Genome position (GRCh38, 1-based): chr16:89,706, G>A on the plus strand (C>T on the coding strand, the complement: NPRL3 is on the minus strand). VCF-style: chr16-89706-G-A. GRCh37 (hg19) VCF-style: chr16-139704-G-A.
Other names: c.1117+7C>T (NM_001243247.2); c.1276+7C>T (NM_001243248.2, NM_001243249.2); c.814+7C>T (NM_001039476.3).
Identifiers: ClinVar variation 733575 (VCV000733575.15), dbSNP rs376215928, ClinGen allele CA7769363.
Genomic context (GRCh38, chr16:89,706, plus strand): 5'-TGAGCCTCCTGGATGCCACCCCCAAGCGTCTCCCCTGACTACCACAGCGGTGCCCTGGGG[G>A]TCCTACTTGGGGAGCCAAAGCTGAGGGCGTTGGGCGTGCTGAGGCTGCGACCGCCGACCC-3'

ClinVar aggregate classification (germline): Benign/Likely benign. Review status: criteria provided, multiple submitters, no conflicts (2 of 4 stars). 4 submissions from 4 submitters: Benign (1); Likely benign (2). 1 of the submissions does not count toward it. Last evaluated 2026-01-05.

Conditions:
Epilepsy, familial focal, with variable foci 3 (FFEVF3). Identifiers: MedGen C4310708, MONDO:0014925, OMIM 617118.
NPRL3-related disorder. Also called: NPRL3-related condition.

Allele frequency attached by ClinVar (database versions not stated): gnomAD exomes 0.00004 and 0.00010; ExAC 0.00020; gnomAD 0.00023 and 0.00027; TOPMed 0.00036; ESP Exome Variant Server 0.00039.
gnomAD v4.1: 96 of 1,559,516 alleles (0.0062%); highest among the groups gnomAD compares: African/African-American, 0.11%; 1 homozygote.

Submissions (4):

Labcorp Genetics (formerly Invitae), Labcorp
Classification: Benign for Epilepsy, familial focal, with variable foci 3. Last evaluated: 2026-01-05. Review status: criteria provided, single submitter. Criteria: Invitae Variant Classification Sherloc (09022015). Collection method: clinical testing. Allele origin: germline.

Blueprint Genetics
Classification: Likely benign. Last evaluated: 2021-11-04. Review status: criteria provided, single submitter. Criteria: ACMG Guidelines, 2015. Collection method: clinical testing. Allele origin: germline.

GeneDx
Classification: Likely benign. Last evaluated: 2021-10-01. Review status: criteria provided, single submitter. Criteria: GeneDx Variant Classification Process June 2021. Collection method: clinical testing. Allele origin: germline. Affected: yes.

PreventionGenetics, part of Exact Sciences
Classification: Likely benign for NPRL3-related condition. Last evaluated: 2021-09-30. Review status: no assertion criteria provided. Collection method: clinical testing. Allele origin: germline. Not counted in ClinVar's aggregate classification.
Comment: This variant is classified as likely benign based on ACMG/AMP sequence variant interpretation guidelines (Richards et al. 2015 PMID: 25741868, with internal and published modifications).